The following is an entry in ClinVar:

ClinVar aggregate classification (germline): Uncertain significance (1 of 4 stars; one submission).

Allele frequency attached by ClinVar (database versions not stated): gnomAD exomes below 0.00001; ExAC 0.00001.
gnomAD v4.1: 3 of 1,610,904 alleles (0.00019%); highest among the groups gnomAD compares: African/African-American, 0.0013%; no homozygotes.

Submission:

Ambry Genetics
Classification: Uncertain significance. Last evaluated: 2023-04-07. Review status: criteria provided, single submitter. Criteria: Ambry Variant Classification Scheme 2023. Collection method: clinical testing. Allele origin: germline.
Comment: The p.S331N variant (also known as c.992G>A), located in coding exon 5 of the MNDA gene, results from a G to A substitution at nucleotide position 992. The serine at codon 331 is replaced by asparagine, an amino acid with highly similar properties. This amino acid position is conserved. In addition, this alteration is predicted to be tolerated by in silico analysis. Since supporting evidence is limited at this time, the clinical significance of this alteration remains unclear.

NM_002432.3(MNDA):c.992G>A (p.Ser331Asn)

Gene: MNDA (myeloid cell nuclear differentiation antigen; plus strand). Cytogenetic location: 1q23.1.
Variant type: single nucleotide variant.
Coding change: c.992G>A on transcript NM_002432.3 (MANE Select); coding-DNA position 992, G replaced by A.
Protein change: p.Ser331Asn; replaces serine 331 with asparagine.
Molecular consequence: missense variant.
Genome position (GRCh38, 1-based): chr1:158,847,732, G>A. VCF-style: chr1-158847732-G-A. GRCh37 (hg19) VCF-style: chr1-158817522-G-A.
Other names: short protein forms S331N.
Identifiers: ClinVar variation 2563144 (VCV002563144.2), dbSNP rs759125507, ClinGen allele CA1185767.
Genomic context (GRCh38, chr1:158,847,732, plus strand): 5'-CATCTATATGATACTAACAATCCTCTCAGAAACAGGATGTTAATCTTCTTTTGCAGAAAA[G>A]CGTACACAAGAAGAACACAATTTATGAAATACAGGATAATACAGGATCCATGGATGTAGT-3'
Protein context (NP_002423.1, residues 321-341): VYGLFMLQKK[Ser331Asn]VHKKNTIYEI